The following is an entry in ClinVar:

ClinVar aggregate classification (germline): Pathogenic/Likely pathogenic. Review status: criteria provided, multiple submitters, no conflicts (2 of 4 stars). 4 submissions from 4 submitters: Pathogenic (2); Likely pathogenic (2). Last evaluated 2025-09-10.

Conditions:
COL11A2-related disorder. Also called: COL11A2-related disorders; COL11A2-related condition.
Otospondylomegaepiphyseal dysplasia, autosomal dominant (OSMEDA). Also called: Stickler syndrome, type 3; COL11A2-Related Stickler Syndrome; Pierre Robin syndrome with fetal chondrodysplasia. Identifiers: Orphanet 166100, Orphanet 3450, MedGen C1848488, MONDO:0008490, OMIM 184840.

Allele frequency attached by ClinVar (database versions not stated): TOPMed below 0.00001.
gnomAD v4.1: 6 of 1,614,060 alleles (0.00037%); highest among the groups gnomAD compares: African/African-American, 0.0013%; no homozygotes.

Submissions (4):

Genomic Medicine Center of Excellence, King Faisal Specialist Hospital and Research Centre
Classification: Pathogenic for Otospondylomegaepiphyseal dysplasia, autosomal dominant. Last evaluated: 2025-09-10. Review status: criteria provided, single submitter. Criteria: ACMG Guidelines, 2015. Collection method: clinical testing. Allele origin: germline.

Blueprint Genetics
Classification: Likely pathogenic for COL11A2-related disorders. Last evaluated: 2024-08-01. Review status: criteria provided, single submitter. Criteria: ACMG Guidelines, 2015. Collection method: clinical testing. Allele origin: germline. Affected: yes. Observed: 1 variant allele.

Labcorp Genetics (formerly Invitae), Labcorp
Classification: Pathogenic. Last evaluated: 2022-08-05. Review status: criteria provided, single submitter. Criteria: Invitae Variant Classification Sherloc (09022015). Collection method: clinical testing. Allele origin: germline.
Comment: This sequence change creates a premature translational stop signal (p.Arg379*) in the COL11A2 gene. It is expected to result in an absent or disrupted protein product. Loss-of-function variants in COL11A2 are known to be pathogenic (PMID: 10677296, 21204229). This variant is not present in population databases (gnomAD no frequency). This variant has not been reported in the literature in individuals affected with COL11A2-related conditions. ClinVar contains an entry for this variant (Variation ID: 1447541). For these reasons, this variant has been classified as Pathogenic.

Revvity Omics, Revvity
Classification: Likely pathogenic. Last evaluated: 2022-05-20. Review status: criteria provided, single submitter. Criteria: ACMG Guidelines, 2015. Collection method: clinical testing. Allele origin: germline.

Literature cited by the submitters: PubMed 10677296 (cited by Labcorp Genetics (formerly Invitae), Labcorp); PubMed 21204229 (cited by Labcorp Genetics (formerly Invitae), Labcorp).

NM_080680.3(COL11A2):c.1135C>T (p.Arg379Ter)

Gene: COL11A2 (collagen type XI alpha 2 chain; minus strand). Cytogenetic location: 6p21.32.
Variant type: single nucleotide variant.
Coding change: c.1135C>T on transcript NM_080680.3 (MANE Select); coding-DNA position 1135, C replaced by T.
Protein change: p.Arg379Ter; replaces arginine 379 with a stop codon.
Molecular consequence: nonsense.
Genome position (GRCh38, 1-based): chr6:33,181,155, G>A on the plus strand (C>T on the coding strand, the complement: COL11A2 is on the minus strand). VCF-style: chr6-33181155-G-A. GRCh37 (hg19) VCF-style: chr6-33148932-G-A.
Other names: c.814C>T, p.Arg272Ter (NM_080679.3); c.877C>T, p.Arg293Ter (NM_080681.3); short protein forms R272*, R293*, R379*.
Identifiers: ClinVar variation 1447541 (VCV001447541.10), dbSNP rs1417182811, ClinGen allele CA363606814.
Genomic context (GRCh38, chr6:33,181,155, plus strand): 5'-GACCAGCATAACTTACAGGTTCCAACACTGCAGGCTCTCCTTTCTCTCCCTTCAGCCCTC[G>A]GGGTCCATGGGCAGCCTGAAGGAGACACACATGTAGCCCCCAGTGGGGCCCGTGAGCAGC-3'